The following is an entry in ClinVar:

ClinVar aggregate classification (germline): Conflicting classifications of pathogenicity. Review status: criteria provided, conflicting classifications (1 of 4 stars). 2 submissions from 2 submitters: Uncertain significance (1); Likely benign (1). Last evaluated 2024-01-08.

Conditions:
Inborn genetic diseases. Identifiers: MedGen C0950123, MeSH D030342.

Allele frequency attached by ClinVar (database versions not stated): gnomAD exomes below 0.00001; TOPMed below 0.00001; gnomAD 0.00001; ExAC 0.00002; 1000 Genomes Project 30x 0.00016; 1000 Genomes Project 0.00020.
gnomAD v4.1: 7 of 1,614,166 alleles (0.00043%); highest among the groups gnomAD compares: East Asian, 0.011%; no homozygotes.

Submissions (2):

Labcorp Genetics (formerly Invitae), Labcorp
Classification: Uncertain significance. Last evaluated: 2024-01-08. Review status: criteria provided, single submitter. Criteria: Invitae Variant Classification Sherloc (09022015). Collection method: clinical testing. Allele origin: germline.
Comment: This sequence change replaces asparagine, which is neutral and polar, with serine, which is neutral and polar, at codon 641 of the TCF20 protein (p.Asn641Ser). This variant is present in population databases (rs547085733, gnomAD 0.03%). This variant has not been reported in the literature in individuals affected with TCF20-related conditions. ClinVar contains an entry for this variant (Variation ID: 2218640). An algorithm developed to predict the effect of missense changes on protein structure and function (PolyPhen-2) suggests that this variant is likely to be tolerated. In summary, the available evidence is currently insufficient to determine the role of this variant in disease. Therefore, it has been classified as a Variant of Uncertain Significance.

Ambry Genetics
Classification: Likely benign for Inborn genetic diseases. Last evaluated: 2022-02-03. Review status: criteria provided, single submitter. Criteria: Ambry Variant Classification Scheme 2023. Collection method: clinical testing. Allele origin: germline.

NM_001378418.1(TCF20):c.1922A>G (p.Asn641Ser)

Gene: TCF20 (transcription factor 20; minus strand). Cytogenetic location: 22q13.2.
Variant type: single nucleotide variant.
Coding change: c.1922A>G on transcript NM_001378418.1 (MANE Select); coding-DNA position 1922, A replaced by G.
Protein change: p.Asn641Ser; replaces asparagine 641 with serine.
Molecular consequence: missense variant.
Genome position (GRCh38, 1-based): chr22:42,213,384, T>C on the plus strand (A>G on the coding strand, the complement: TCF20 is on the minus strand). VCF-style: chr22-42213384-T-C. GRCh37 (hg19) VCF-style: chr22-42609390-T-C.
Other names: c.1922A>G, p.Asn641Ser (NM_005650.4, NM_181492.3); short protein forms N641S.
Identifiers: ClinVar variation 2218640 (VCV002218640.5), dbSNP rs547085733, ClinGen allele CA10267090.